The following is an entry in ClinVar:

ClinVar aggregate classification (germline): Conflicting classifications of pathogenicity. Review status: criteria provided, conflicting classifications (1 of 4 stars). 2 submissions from 2 submitters: Uncertain significance (1); Likely benign (1). Last evaluated 2023-10-03.

Allele frequency attached by ClinVar (database versions not stated): gnomAD 0.00002; gnomAD exomes 0.00003; TOPMed 0.00003; ExAC 0.00010.
gnomAD v4.1: 30 of 1,208,084 alleles (0.0025%); highest among the groups gnomAD compares: Non-Finnish European, 0.0034%; no homozygotes.

Submissions (2):

Labcorp Genetics (formerly Invitae), Labcorp
Classification: Uncertain significance. Last evaluated: 2023-10-03. Review status: criteria provided, single submitter. Criteria: Invitae Variant Classification Sherloc (09022015). Collection method: clinical testing. Allele origin: germline.
Comment: This sequence change replaces lysine, which is basic and polar, with arginine, which is basic and polar, at codon 319 of the COL4A6 protein (p.Lys319Arg). This variant is present in population databases (rs780867365, gnomAD 0.01%). This variant has not been reported in the literature in individuals affected with COL4A6-related conditions. ClinVar contains an entry for this variant (Variation ID: 1973327). Advanced modeling of protein sequence and biophysical properties (such as structural, functional, and spatial information, amino acid conservation, physicochemical variation, residue mobility, and thermodynamic stability) performed at Invitae indicates that this missense variant is not expected to disrupt COL4A6 protein function. Algorithms developed to predict the effect of sequence changes on RNA splicing suggest that this variant may disrupt the consensus splice site. In summary, the available evidence is currently insufficient to determine the role of this variant in disease. Therefore, it has been classified as a Variant of Uncertain Significance.

CeGaT Center for Human Genetics Tuebingen
Classification: Likely benign. Last evaluated: 2023-01-01. Review status: criteria provided, single submitter. Criteria: CeGaT Center For Human Genetics Tuebingen Variant Classification Criteria Version 2. Collection method: clinical testing. Allele origin: germline. Affected: yes. Observed: 1 variant allele.
Comment: COL4A6: BP4, BS2

NM_033641.4(COL4A6):c.953A>G (p.Lys318Arg)

Gene: COL4A6 (collagen type IV alpha 6 chain; minus strand). Cytogenetic location: Xq22.3.
Variant type: single nucleotide variant.
Coding change: c.953A>G on transcript NM_033641.4 (MANE Select); coding-DNA position 953, A replaced by G.
Protein change: p.Lys318Arg; replaces lysine 318 with arginine.
Molecular consequence: missense variant.
Genome position (GRCh38, 1-based): chrX:108,194,583, T>C on the plus strand (A>G on the coding strand, the complement: COL4A6 is on the minus strand). VCF-style: chrX-108194583-T-C. GRCh37 (hg19) VCF-style: chrX-107437813-T-C.
Other names: c.953A>G, p.Lys318Arg (NM_001287758.2, NM_001287759.2, NM_001287760.2); c.956A>G, p.Lys319Arg (NM_001847.4); short protein forms K319R, K318R.
Identifiers: ClinVar variation 1973327 (VCV001973327.29), dbSNP rs780867365, ClinGen allele CA10487941.